The following is an entry in ClinVar:

ClinVar aggregate classification (germline): Uncertain significance (1 of 4 stars; one submission).

Allele frequency attached by ClinVar (database versions not stated): gnomAD exomes below 0.00001; TOPMed 0.00003.
gnomAD v4.1: 1 of 1,613,560 alleles (0.000062%); highest among the groups gnomAD compares: Admixed American, 0.0017%; no homozygotes.

Submission:

Labcorp Genetics (formerly Invitae), Labcorp
Classification: Uncertain significance. Last evaluated: 2022-06-24. Review status: criteria provided, single submitter. Criteria: Invitae Variant Classification Sherloc (09022015). Collection method: clinical testing. Allele origin: germline.
Comment: This sequence change replaces glutamine, which is neutral and polar, with histidine, which is basic and polar, at codon 1875 of the MYO7A protein (p.Gln1875His). This variant is present in population databases (no rsID available, gnomAD 0.003%). This variant has not been reported in the literature in individuals affected with MYO7A-related conditions. Advanced modeling of protein sequence and biophysical properties (such as structural, functional, and spatial information, amino acid conservation, physicochemical variation, residue mobility, and thermodynamic stability) performed at Invitae indicates that this missense variant is not expected to disrupt MYO7A protein function. In summary, the available evidence is currently insufficient to determine the role of this variant in disease. Therefore, it has been classified as a Variant of Uncertain Significance.

NM_000260.4(MYO7A):c.5625G>C (p.Gln1875His)

Gene: MYO7A (myosin VIIA; plus strand). Cytogenetic location: 11q13.5.
Variant type: single nucleotide variant.
Coding change: c.5625G>C on transcript NM_000260.4 (MANE Select); coding-DNA position 5625, G replaced by C.
Protein change: p.Gln1875His; replaces glutamine 1875 with histidine.
Molecular consequence: missense variant.
Genome position (GRCh38, 1-based): chr11:77,205,606, G>C. VCF-style: chr11-77205606-G-C. GRCh37 (hg19) VCF-style: chr11-76916651-G-C.
Other names: c.5511G>C, p.Gln1837His (NM_001127180.2); c.5478G>C, p.Gln1826His (NM_001369365.1); short protein forms Q1826H, Q1837H, Q1875H.
Identifiers: ClinVar variation 2421162 (VCV002421162.3), dbSNP rs1031559000, ClinGen allele CA224854002.